The following is an entry in ClinVar:

NM_001999.4(FBN2):c.1423G>C (p.Gly475Arg)

Gene: FBN2 (fibrillin 2; minus strand). Cytogenetic location: 5q23.3.
Variant type: single nucleotide variant.
Coding change: c.1423G>C on transcript NM_001999.4 (MANE Select); coding-DNA position 1423, G replaced by C.
Protein change: p.Gly475Arg; replaces glycine 475 with arginine.
Molecular consequence: missense variant.
Genome position (GRCh38, 1-based): chr5:128,393,177, C>G on the plus strand (G>C on the coding strand, the complement: FBN2 is on the minus strand). VCF-style: chr5-128393177-C-G. GRCh37 (hg19) VCF-style: chr5-127728870-C-G.
Other names: short protein forms G475R.
Identifiers: ClinVar variation 213389 (VCV000213389.13), dbSNP rs200440156, ClinGen allele CA320612.
Genomic context (GRCh38, chr5:128,393,177, plus strand): 5'-GGAAAACTGACCACTTACTTAGTCCAGTGATGATAGGTCCCTGTCCCCCGGCCCCCACAC[C>G]GGCTCCCCCAACGCCAGGAGAAAAGCCATTGCCTCCAGGGATGGGGATGAAGCCTGTCCC-3'
Protein context (NP_001990.2, residues 465-485): NGFSPGVGGA[Gly475Arg]VGAGGQGPII

ClinVar aggregate classification (germline): Conflicting classifications of pathogenicity. Review status: criteria provided, conflicting classifications (1 of 4 stars). 2 submissions from 2 submitters: Uncertain significance (1); Benign (1). Last evaluated 2026-01-14.

Conditions:
Congenital contractural arachnodactyly (CCA). Also called: Beals-Hecht syndrome; BEALS SYNDROME; Arthrogryposis, distal, type 9. Identifiers: Orphanet 115, MedGen C0220668, MONDO:0007363, OMIM 121050.

Allele frequency attached by ClinVar (database versions not stated): TOPMed 0.00005.
gnomAD v4.1: 8 of 1,614,036 alleles (0.0005%); highest among the groups gnomAD compares: African/African-American, 0.011%; no homozygotes.

Submissions (2):

Labcorp Genetics (formerly Invitae), Labcorp
Classification: Benign for Congenital contractural arachnodactyly. Last evaluated: 2026-01-14. Review status: criteria provided, single submitter. Criteria: Invitae Variant Classification Sherloc (09022015). Collection method: clinical testing. Allele origin: germline.

GeneDx
Classification: Uncertain significance. Last evaluated: 2025-08-11. Review status: criteria provided, single submitter. Criteria: GeneDx Variant Classification Process June 2021. Collection method: clinical testing. Allele origin: germline. Affected: yes.
Comment: Identified in a patient with coronary artery dissection in the published literature (PMID: 29907982); Not observed at significant frequency in large population cohorts (gnomAD); In silico analysis suggests that this missense variant does not alter protein structure/function; This variant is associated with the following publications: (PMID: 29907982)